The following is an entry in ClinVar:

NM_000361.3(THBD):c.143C>A (p.Ala48Asp)

Gene: THBD (thrombomodulin; minus strand). Cytogenetic location: 20p11.21.
Variant type: single nucleotide variant.
Coding change: c.143C>A on transcript NM_000361.3 (MANE Select); coding-DNA position 143, C replaced by A.
Protein change: p.Ala48Asp; replaces alanine 48 with aspartic acid.
Molecular consequence: missense variant.
Genome position (GRCh38, 1-based): chr20:23,049,362, G>T on the plus strand (C>A on the coding strand, the complement: THBD is on the minus strand). VCF-style: chr20-23049362-G-T. GRCh37 (hg19) VCF-style: chr20-23029999-G-T.
Other names: short protein forms A48D.
Identifiers: ClinVar variation 1475476 (VCV001475476.8), dbSNP rs2122673254, ClinGen allele CA408408290.
Genomic context (GRCh38, chr20:23,049,362, plus strand): 5'-GCAGCCACCGAGGAGCGCACTGTCATTAGGTGGCCCCGCAGTCCGTCGCAGATCTGACTG[G>T]CATTGAGGAAGGTCGCGGGGCCCGGGTAGAGCGCGAAGCAGTCGTGCTCGACGCACTGGC-3'
Protein context (NP_000352.1, residues 38-58): LYPGPATFLN[Ala48Asp]SQICDGLRGH

ClinVar aggregate classification (germline): Uncertain significance (1 of 4 stars; one submission).

Submission:

Labcorp Genetics (formerly Invitae), Labcorp
Classification: Uncertain significance. Last evaluated: 2022-02-10. Review status: criteria provided, single submitter. Criteria: Invitae Variant Classification Sherloc (09022015). Collection method: clinical testing. Allele origin: germline.
Comment: In summary, the available evidence is currently insufficient to determine the role of this variant in disease. Therefore, it has been classified as a Variant of Uncertain Significance. Algorithms developed to predict the effect of missense changes on protein structure and function are either unavailable or do not agree on the potential impact of this missense change (SIFT: "Deleterious"; PolyPhen-2: "Probably Damaging"; Align-GVGD: "Class C15"). This variant has not been reported in the literature in individuals affected with THBD-related conditions. This variant is not present in population databases (gnomAD no frequency). This sequence change replaces alanine, which is neutral and non-polar, with aspartic acid, which is acidic and polar, at codon 48 of the THBD protein (p.Ala48Asp).